The following is an entry in ClinVar:

NM_000535.7(PMS2):c.445del (p.Tyr149fs)

Gene: PMS2 (PMS1 homolog 2, mismatch repair system component; minus strand). Cytogenetic location: 7p22.1.
Variant type: Deletion.
Coding change: c.445del on transcript NM_000535.7 (MANE Select); coding-DNA position 445, one base deleted (T; older notation c.445delT).
Protein change: p.Tyr149fs; shifts the reading frame from tyrosine 149.
Molecular consequence: frameshift variant. On other transcripts: 5 prime UTR variant (2), non-coding transcript variant (1).
Genome position (GRCh38, 1-based): chr7:6,002,545, A deleted on the plus strand (T on the coding strand, the reverse complement: PMS2 is on the minus strand). VCF-style (leftmost placement, unchanged base first): chr7-6002544-TA-T. GRCh37 (hg19) VCF-style: chr7-6042175-TA-T.
Other names: c.445del (NM_000535.5); c.40del, p.Tyr14fs (NM_001322003.2, NM_001322004.2, NM_001322005.2 and 3 more transcripts); c.445del, p.Tyr149fs (NM_001322006.2, NM_001322014.2); c.127del, p.Tyr43fs (NM_001322007.2, NM_001322008.2); c.-440del (NM_001322011.2, NM_001322012.2); c.136del, p.Tyr46fs (NM_001322015.2); short protein forms Y149fs, Y43fs, Y46fs, Y14fs.
Identifiers: ClinVar variation 372468 (VCV000372468.22), dbSNP rs769742496, ClinGen allele CA049809.
Genomic context (GRCh38, chr7:6,002,544, plus strand): 5'-CGCACAGGTAGTGTGGAAAATAACTGCTGCACGCTGACTGTGGTCCCTCTGGGGCGGGGG[TA>T]GGGGGTTTTCTGGATAATTTTCCCATTGTGATCAAACATCAGTCGAGTTCCAACCTTCGC-3'

ClinVar aggregate classification (germline): Pathogenic/Likely pathogenic. Review status: criteria provided, multiple submitters, no conflicts (2 of 4 stars). 7 submissions from 7 submitters: Pathogenic (5); Likely pathogenic (2). Last evaluated 2025-06-13.

Conditions:
Hereditary nonpolyposis colorectal neoplasms. Identifiers: MedGen C0009405, MeSH D003123.
Hereditary nonpolyposis colon cancer (HNPCC). Also called: Hereditary Nonpolyposis Colorectal Cancer Syndrome; Hereditary nonpolyposis colorectal cancer; Familial nonpolyposis colon cancer. Identifiers: Orphanet 443909, MedGen C1333990, MONDO:0018630. Disease mechanism: loss of function.
Hereditary cancer-predisposing syndrome. Also called: Tumor predisposition; Hereditary neoplastic syndrome; Neoplastic Syndromes, Hereditary; Hereditary Cancer Syndrome. Identifiers: Orphanet 140162, MedGen C0027672, MeSH D009386, MONDO:0015356.
Lynch syndrome 4 (LYNCH4). Also called: Hereditary non-polyposis colorectal cancer, type 4; Colorectal cancer, hereditary nonpolyposis, type 4. Identifiers: Orphanet 144, MedGen C1838333, MONDO:0013699, OMIM 614337. Disease mechanism: loss of function.

Allele frequency attached by ClinVar (database versions not stated): gnomAD exomes below 0.00001; ExAC 0.00001.

Submissions (7):

Quest Diagnostics Nichols Institute San Juan Capistrano
Classification: Likely pathogenic. Last evaluated: 2025-06-13. Review status: criteria provided, single submitter. Criteria: Quest Diagnostics criteria. Collection method: clinical testing. Allele origin: unknown.
Comment: The PMS2 c.445del (p.Tyr149Thrfs*52) variant alters the translational reading frame of the PMS2 mRNA and is predicted to cause the premature termination of PMS2 protein synthesis. This variant has been reported in the published literature in an individual affected with breast cancer (PMID: 29345684 (2018)). The frequency of this variant in the general population (Genome Aggregation Database) is uninformative in the assessment of its pathogenicity. Based on the available information, this variant is classified as likely pathogenic.

Labcorp Genetics (formerly Invitae), Labcorp
Classification: Pathogenic for Hereditary nonpolyposis colorectal neoplasms. Last evaluated: 2025-05-13. Review status: criteria provided, single submitter. Criteria: Invitae Variant Classification Sherloc (09022015). Collection method: clinical testing. Allele origin: germline.
Comment: This sequence change creates a premature translational stop signal (p.Tyr149Thrfs*52) in the PMS2 gene. It is expected to result in an absent or disrupted protein product. Loss-of-function variants in PMS2 are known to be pathogenic (PMID: 21376568, 24362816). This variant is present in population databases (rs769742496, gnomAD 0.003%). This variant has not been reported in the literature in individuals affected with PMS2-related conditions. ClinVar contains an entry for this variant (Variation ID: 372468). For these reasons, this variant has been classified as Pathogenic.

GeneDx
Classification: Pathogenic. Last evaluated: 2024-12-08. Review status: criteria provided, single submitter. Criteria: GeneDx Variant Classification Process June 2021. Collection method: clinical testing. Allele origin: germline. Affected: yes.
Comment: Frameshift variant predicted to result in protein truncation or nonsense mediated decay in a gene for which loss of function is a known mechanism of disease; Not observed at significant frequency in large population cohorts (gnomAD); Truncating variants in this gene are considered pathogenic by a well-established clinical consortium and/or database; This variant is associated with the following publications: (PMID: 29345684)

Myriad Genetics, Inc.
Classification: Pathogenic for Lynch syndrome 4. Last evaluated: 2023-09-18. Review status: criteria provided, single submitter. Criteria: Myriad Autosomal Dominant, Autosomal Recessive and X-Linked Classification Criteria (2023). Collection method: clinical testing. Allele origin: unknown.
Comment: This variant is considered pathogenic. This variant creates a frameshift predicted to result in premature protein truncation.

Ambry Genetics
Classification: Pathogenic for Hereditary cancer-predisposing syndrome. Last evaluated: 2023-03-23. Review status: criteria provided, single submitter. Criteria: Ambry Variant Classification Scheme 2023. Collection method: clinical testing. Allele origin: germline.
Comment: The c.445delT pathogenic mutation, located in coding exon 5 of the PMS2 gene, results from a deletion of one nucleotide at nucleotide position 445, causing a translational frameshift with a predicted alternate stop codon (p.Y149Tfs*52). This alteration is expected to result in loss of function by premature protein truncation or nonsense-mediated mRNA decay. As such, this alteration is interpreted as a disease-causing mutation.

Color Diagnostics, LLC DBA Color Health
Classification: Pathogenic for Hereditary cancer-predisposing syndrome. Last evaluated: 2021-07-26. Review status: criteria provided, single submitter. Criteria: ACMG Guidelines, 2015. Collection method: clinical testing. Allele origin: germline.
Comment: This variant deletes 1 nucleotide in exon 5 of the PMS2 gene, creating a frameshift and premature translation stop signal. This variant is expected to result in an absent or non-functional protein product. This variant has been reported in an individual affected with breast cancer (PMID: 29345684). This variant has been identified in 1/250958 chromosomes in the general population by the Genome Aggregation Database (gnomAD). Loss of PMS2 function is a known mechanism of disease. Based on the available evidence, this variant is classified as Pathogenic.

Women's Health and Genetics/Laboratory Corporation of America, LabCorp
Classification: Likely pathogenic for Lynch syndrome. Last evaluated: 2019-09-04. Review status: criteria provided, single submitter. Criteria: LabCorp Variant Classification Summary - May 2015. Collection method: clinical testing. Allele origin: germline.
Comment: Variant summary: PMS2 c.445delT (p.Tyr149ThrfsX52) results in a premature termination codon, predicted to cause a truncation of the encoded protein or absence of the protein due to nonsense mediated decay, which are commonly known mechanisms for disease. Truncations downstream of this position have been classified as pathogenic by our laboratory (c.697C>T (p.Gln233X), c.735dupG (p.Pro246fsX3), c.765C>A, (p.Tyr255X)). The variant allele was found at a frequency of 4e-06 in 250958 control chromosomes (gnomAD) and has been reported in the literature in an individual affected with breast cancer (Roberts_2018). These data indicate that the variant may be associated with disease. To our knowledge, no experimental evidence demonstrating an impact on protein function has been reported. Two submitters have provided clinical-significance assessments for this variant to ClinVar after 2014 without evidence for independent evaluation and classified the variant as pathogenic. Based on the evidence outlined above, the variant was classified as likely pathogenic.

Literature cited by the submitters: PubMed 29345684 (cited by 3 submitters); PubMed 21376568 (cited by Labcorp Genetics (formerly Invitae), Labcorp); PubMed 24362816 (cited by Labcorp Genetics (formerly Invitae), Labcorp).